The following is an entry in ClinVar:

NM_004360.5(CDH1):c.1150G>A (p.Val384Met)

Gene: CDH1 (cadherin 1; plus strand). Cytogenetic location: 16q22.1.
Variant type: single nucleotide variant.
Coding change: c.1150G>A on transcript NM_004360.5 (MANE Select); coding-DNA position 1150, G replaced by A.
Protein change: p.Val384Met; replaces valine 384 with methionine.
Molecular consequence: missense variant. On other transcripts: 5 prime UTR variant (2), intron variant (1).
Genome position (GRCh38, 1-based): chr16:68,813,325, G>A. VCF-style: chr16-68813325-G-A. GRCh37 (hg19) VCF-style: chr16-68847228-G-A.
Other names: c.-466G>A (NM_001317185.2); c.-670G>A (NM_001317186.2); c.1137+1062G>A (NM_001317184.2); short protein forms V384M.
Identifiers: ClinVar variation 2428034 (VCV002428034.8), dbSNP rs2152133315, ClinGen allele CA396461046.
Genomic context (GRCh38, chr16:68,813,325, plus strand): 5'-GCTAGCAGTCTTGGTACTTTGTAAATGACACATCTCTTTGCTCTGCAGTACAAGGGTCAG[G>A]TGCCTGAGAACGAGGCTAACGTCGTAATCACCACACTGAAAGTGACTGATGCTGATGCCC-3'
Protein context (NP_004351.1, residues 374-394): IFNPTTYKGQ[Val384Met]PENEANVVIT

ClinVar aggregate classification (germline): Uncertain significance. Review status: criteria provided, multiple submitters, no conflicts (2 of 4 stars). 2 submissions from 2 submitters: Uncertain significance (2). Last evaluated 2026-04-28.

Conditions:
Hereditary cancer-predisposing syndrome. Also called: Tumor predisposition; Hereditary Cancer Syndrome; Hereditary neoplastic syndrome; Neoplastic Syndromes, Hereditary. Identifiers: Orphanet 140162, MedGen C0027672, MeSH D009386, MONDO:0015356.
Hereditary diffuse gastric adenocarcinoma (HDGC). Also called: DIFFUSE GASTRIC AND LOBULAR BREAST CANCER SYNDROME. Identifiers: Orphanet 26106, MedGen C1708349, MONDO:0007648, OMIM 137215.

gnomAD v4.1: 1 of 1,614,154 alleles (0.000062%); highest among the groups gnomAD compares: Non-Finnish European, 0.000085%; no homozygotes.

Submissions (2):

Ambry Genetics
Classification: Uncertain significance for Hereditary cancer-predisposing syndrome. Last evaluated: 2026-04-28. Review status: criteria provided, single submitter. Criteria: Ambry Variant Classification Scheme 2023. Collection method: clinical testing. Allele origin: germline.
Comment: The p.V384M variant (also known as c.1150G>A), located in coding exon 9 of the CDH1 gene, results from a G to A substitution at nucleotide position 1150. The valine at codon 384 is replaced by methionine, an amino acid with highly similar properties. This amino acid position is highly conserved in available vertebrate species. In addition, the in silico prediction for this alteration is inconclusive. Based on the available evidence, the clinical significance of this variant remains unclear.

Labcorp Genetics (formerly Invitae), Labcorp
Classification: Uncertain significance for Hereditary diffuse gastric adenocarcinoma. Last evaluated: 2023-09-11. Review status: criteria provided, single submitter. Criteria: Invitae Variant Classification Sherloc (09022015). Collection method: clinical testing. Allele origin: germline.
Comment: This sequence change replaces valine, which is neutral and non-polar, with methionine, which is neutral and non-polar, at codon 384 of the CDH1 protein (p.Val384Met). This variant is not present in population databases (gnomAD no frequency). This variant has not been reported in the literature in individuals affected with CDH1-related conditions. ClinVar contains an entry for this variant (Variation ID: 2428034). An algorithm developed to predict the effect of missense changes on protein structure and function (PolyPhen-2) suggests that this variant is likely to be disruptive. In summary, the available evidence is currently insufficient to determine the role of this variant in disease. Therefore, it has been classified as a Variant of Uncertain Significance.